The following is an entry in ClinVar:

ClinVar aggregate classification (germline): Uncertain significance. Review status: criteria provided, single submitter (1 of 4 stars). 2 submissions from 2 submitters: Uncertain significance (1). 1 of the submissions does not count toward it. Last evaluated 2022-09-15.

Conditions:
Charlevoix-Saguenay spastic ataxia (SACS). Also called: AUTOSOMAL RECESSIVE SPASTIC ATAXIA OF CHARLEVOIX-SAGUENAY; Spastic ataxia of Charlevoix-Saguenay; SPASTIC ATAXIA 6, AUTOSOMAL RECESSIVE. Identifiers: Orphanet 98, MedGen C1849140, MONDO:0010041, OMIM 270550.

Submissions (2):

GeneDx
Classification: Uncertain significance. Last evaluated: 2022-09-15. Review status: criteria provided, single submitter. Criteria: GeneDx Variant Classification Process June 2021. Collection method: clinical testing. Allele origin: germline. Affected: yes.
Comment: Not observed at significant frequency in large population cohorts (gnomAD); In silico analysis supports that this missense variant does not alter protein structure/function; Has not been previously published as pathogenic or benign to our knowledge

Natera, Inc.
Classification: Uncertain significance for Charlevoix-Saguenay type spastic ataxia. Last evaluated: 2025-02-20. Review status: no assertion criteria provided. Collection method: clinical testing. Allele origin: germline. Not counted in ClinVar's aggregate classification.

NM_014363.6(SACS):c.3533G>C (p.Cys1178Ser)

Gene: SACS (sacsin molecular chaperone; minus strand). Cytogenetic location: 13q12.12.
Variant type: single nucleotide variant.
Coding change: c.3533G>C on transcript NM_014363.6 (MANE Select); coding-DNA position 3533, G replaced by C.
Protein change: p.Cys1178Ser; replaces cysteine 1178 with serine.
Molecular consequence: missense variant.
Genome position (GRCh38, 1-based): chr13:23,340,343, C>G on the plus strand (G>C on the coding strand, the complement: SACS is on the minus strand). VCF-style: chr13-23340343-C-G. GRCh37 (hg19) VCF-style: chr13-23914482-C-G.
Other names: c.3092G>C, p.Cys1031Ser (NM_001278055.2); c.3533G>C (NM_014363.5); short protein forms C1031S, C1178S.
Identifiers: ClinVar variation 2444563 (VCV002444563.2), dbSNP rs2542294675, ClinGen allele CA387534746.